The following is an entry in ClinVar:

ClinVar aggregate classification (germline): Uncertain significance (1 of 4 stars; one submission).

gnomAD v4.1: 1 of 1,613,736 alleles (0.000062%); highest among the groups gnomAD compares: Non-Finnish European, 0.000085%; no homozygotes.

Submission:

Ambry Genetics
Classification: Uncertain significance. Last evaluated: 2025-09-10. Review status: criteria provided, single submitter. Criteria: Ambry Variant Classification Scheme 2023. Collection method: clinical testing. Allele origin: germline.
Comment: The p.P408T variant (also known as c.1222C>A), located in coding exon 1 of the TET2 gene, results from a C to A substitution at nucleotide position 1222. The proline at codon 408 is replaced by threonine, an amino acid with highly similar properties. This amino acid position is conserved. In addition, this alteration is predicted to be tolerated by in silico analysis. Based on the available evidence, the clinical significance of this variant remains unclear.

NM_001127208.3(TET2):c.1222C>A (p.Pro408Thr)

Genes: TET2 (tet methylcytosine dioxygenase 2; plus strand), TET2-AS1 (TET2 antisense RNA 1; minus strand). Cytogenetic location: 4q24.
Variant type: single nucleotide variant.
Coding change: c.1222C>A on transcript NM_001127208.3 (MANE Select); coding-DNA position 1222, C replaced by A.
Protein change: p.Pro408Thr; replaces proline 408 with threonine.
Molecular consequence: missense variant.
Genome position (GRCh38, 1-based): chr4:105,235,164, C>A. VCF-style: chr4-105235164-C-A. GRCh37 (hg19) VCF-style: chr4-106156321-C-A.
Other names: c.1222C>A, p.Pro408Thr (NM_017628.4); short protein forms P408T.
Identifiers: ClinVar variation 4183063 (VCV004183063.1).